The following is an entry in ClinVar:

NM_000085.5(CLCNKB):c.492G>C (p.Gly164=)

Genes: CLCNKB (chloride voltage-gated channel Kb; plus strand), LOC106501713 (CLCNKB recombination region; plus strand). Cytogenetic location: 1p36.13.
Variant type: single nucleotide variant.
Coding change: c.492G>C on transcript NM_000085.5 (MANE Select); coding-DNA position 492, G replaced by C.
Protein change: p.Gly164=; no amino-acid change (glycine 164 retained).
Molecular consequence: synonymous variant.
Genome position (GRCh38, 1-based): chr1:16,048,038, G>C. VCF-style: chr1-16048038-G-C. GRCh37 (hg19) VCF-style: chr1-16374533-G-C.
Other names: p.Gly164=.
Identifiers: ClinVar variation 447105 (VCV000447105.26), dbSNP rs2014562, ClinGen allele CA623319.
Genomic context (GRCh38, chr1:16,048,038, plus strand): 5'-TGGGGCCAAAGTGGTGGGCCTCTCCTGCACCCTGGCCTGTGGCAGCACCCTCTTCCTCGG[G>C]AAAGTGGTATGGGCAGGGGTGAGGGCATCCCAACCACCCTACCCACCCCAGCCACCCCAG-3'
Protein context (NP_000076.2, residues 154-174): TLACGSTLFL[Gly164=]KVGPFVHLSV

ClinVar aggregate classification (germline): Benign. Review status: criteria provided, multiple submitters, no conflicts (2 of 4 stars). 12 submissions from 11 submitters: Benign (10). 2 of the submissions do not count toward it. Last evaluated 2026-06-30.

Conditions:
Bartter disease type 3. Also called: Bartter syndrome type 3. Identifiers: Orphanet 112, Orphanet 93605, MedGen C1846343, MONDO:0011822, OMIM 607364.
Bartter disease type 4B. Also called: BARTTER SYNDROME, TYPE 4B, NEONATAL, WITH SENSORINEURAL DEAFNESS; BARTTER SYNDROME, TYPE 4B; Bartter syndrome, type 4b, digenic. Identifiers: Orphanet 112, MedGen C4310805, MONDO:0000909, OMIM 613090.

Allele frequency attached by ClinVar (database versions not stated): ESP Exome Variant Server 0.87844; TOPMed 0.88433; gnomAD 0.88578 and 0.89025; 1000 Genomes Project 30x 0.89163; 1000 Genomes Project 0.89397; ExAC 0.92984; gnomAD exomes 0.93171.

Submissions (12):

Women's Health and Genetics/Laboratory Corporation of America, LabCorp
Classification: Benign. Last evaluated: 2026-06-30. Review status: criteria provided, single submitter. Criteria: LabCorp Variant Classification Summary - May 2015. Collection method: clinical testing. Allele origin: germline.

Labcorp Genetics (formerly Invitae), Labcorp
Classification: Benign. Last evaluated: 2026-02-04. Review status: criteria provided, single submitter. Criteria: Invitae Variant Classification Sherloc (09022015). Collection method: clinical testing. Allele origin: germline.

Blueprint Genetics
Classification: Benign. Last evaluated: 2024-11-26. Review status: criteria provided, single submitter. Criteria: ACMG Guidelines, 2015. Collection method: clinical testing. Allele origin: germline.

Mayo Clinic Laboratories, Mayo Clinic
Classification: Benign. Last evaluated: 2022-03-09. Review status: criteria provided, single submitter. Criteria: ACMG Guidelines, 2015. Collection method: clinical testing. Allele origin: germline. Observed: 193 variant alleles.

Genome-Nilou Lab
Classification: Benign for Bartter disease type 4B. Last evaluated: 2021-07-22. Review status: criteria provided, single submitter. Criteria: ACMG Guidelines, 2015. Collection method: clinical testing. Allele origin: germline. Affected: no.

Genome-Nilou Lab
Classification: Benign for Bartter disease type 3. Last evaluated: 2021-07-22. Review status: criteria provided, single submitter. Criteria: ACMG Guidelines, 2015. Collection method: clinical testing. Allele origin: germline. Affected: no.

GeneDx
Classification: Benign. Last evaluated: 2018-11-10. Review status: criteria provided, single submitter. Criteria: GeneDx Variant Classification Process June 2021. Collection method: clinical testing. Allele origin: germline. Affected: yes.

Athena Diagnostics
Classification: Benign. Last evaluated: 2017-08-02. Review status: criteria provided, single submitter. Criteria: Athena Diagnostics Criteria. Collection method: clinical testing. Allele origin: germline.

Laboratory for Molecular Medicine, Mass General Brigham Personalized Medicine
Classification: Benign. Last evaluated: 2016-03-21. Review status: criteria provided, single submitter. Criteria: LMM Criteria. Collection method: clinical testing. Allele origin: germline. Observed: 1 variant allele.
Comment: p.Gly164Gly in exon 5 of CLCNKB: This variant is not expected to have clinical s ignificance because it does not alter an amino acid residue, is not located with in the splice consensus sequence, and has been identified in 99.97% (8645/8648) of East Asian chromosomes by the Exome Aggregation Consortium (ExAC .; dbSNP rs2014562).

Breakthrough Genomics
Classification: Benign. Review status: criteria provided, single submitter. Criteria: ACMG Guidelines, 2015. Collection method: not provided. Allele origin: germline. Inheritance: Autosomal recessive inheritance. Affected: yes.

Diagnostic Laboratory, Department of Genetics, University Medical Center Groningen
Classification: Benign. Review status: no assertion criteria provided. Collection method: clinical testing. Allele origin: germline. Affected: yes. Study: VKGL Data-share Consensus. Not counted in ClinVar's aggregate classification.

Joint Genome Diagnostic Labs from Nijmegen and Maastricht, Radboudumc and MUMC+
Classification: Benign. Review status: no assertion criteria provided. Collection method: clinical testing. Allele origin: germline. Affected: yes. Study: VKGL Data-share Consensus. Not counted in ClinVar's aggregate classification.